The following is an entry in ClinVar:

ClinVar aggregate classification (germline): Pathogenic (1 of 4 stars; one submission).

Conditions:
Neurofibromatosis, type 1 (NF1). Also called: NEUROFIBROMATOSIS, TYPE I, SOMATIC; Neurofibromatosis, type I; Peripheral type neurofibromatosis; VON RECKLINGHAUSEN DISEASE. Identifiers: Orphanet 636, MedGen C0027831, MONDO:0018975, OMIM 162200. Disease mechanism: loss of function.

Submission:

Labcorp Genetics (formerly Invitae), Labcorp
Classification: Pathogenic for Neurofibromatosis, type 1. Last evaluated: 2022-03-14. Review status: criteria provided, single submitter. Criteria: Invitae Variant Classification Sherloc (09022015). Collection method: clinical testing. Allele origin: germline.
Comment: For these reasons, this variant has been classified as Pathogenic. This variant has not been reported in the literature in individuals affected with NF1-related conditions. This variant is not present in population databases (gnomAD no frequency). This sequence change creates a premature translational stop signal (p.Trp1976Metfs*12) in the NF1 gene. It is expected to result in an absent or disrupted protein product. Loss-of-function variants in NF1 are known to be pathogenic (PMID: 10712197, 23913538).

Literature cited by the submitters: PubMed 10712197; PubMed 23913538.

NM_001042492.3(NF1):c.5988dup (p.Trp1997fs)

Gene: NF1 (neurofibromin 1; plus strand). Cytogenetic location: 17q11.2.
Variant type: Duplication.
Coding change: c.5988dup on transcript NM_001042492.3 (MANE Select); coding-DNA position 5988, one base duplicated (A; older notation c.5988dupA).
Protein change: p.Trp1997fs; shifts the reading frame from tryptophan 1997.
Molecular consequence: frameshift variant.
Genome position (GRCh38, 1-based): chr17:31,335,013, A duplicated. VCF-style (leftmost placement, unchanged base first): chr17-31335012-T-TA. GRCh37 (hg19) VCF-style: chr17-29662030-T-TA.
Other names: c.5925dup, p.Trp1976Metfs (NM_000267.4); short protein forms W1997fs, W1976fs.
Identifiers: ClinVar variation 2112232 (VCV002112232.4), dbSNP rs2508737636, ClinGen allele CA2580093015.